The following is an entry in ClinVar:

NM_002860.4(ALDH18A1):c.*292C>T

Gene: ALDH18A1 (aldehyde dehydrogenase 18 family member A1; minus strand). Cytogenetic location: 10q24.1.
Variant type: single nucleotide variant.
Coding change: c.*292C>T on transcript NM_002860.4 (MANE Select); 292 bases downstream of the stop codon, C replaced by T.
Molecular consequence: 3 prime UTR variant.
Genome position (GRCh38, 1-based): chr10:95,606,470, G>A on the plus strand (C>T on the coding strand, the complement: ALDH18A1 is on the minus strand). VCF-style: chr10-95606470-G-A. GRCh37 (hg19) VCF-style: chr10-97366227-G-A.
Other names: c.*292C>T (NM_001017423.2, NM_001323412.2, NM_001323413.2 and 6 more transcripts).
Identifiers: ClinVar variation 301750 (VCV000301750.32), dbSNP rs78053774, ClinGen allele CA10636589.

ClinVar aggregate classification (germline): Likely benign. Review status: criteria provided, multiple submitters, no conflicts (2 of 4 stars). 3 submissions from 3 submitters: Likely benign (3). Last evaluated 2023-01-01.

Conditions:
ALDH18A1-related de Barsy syndrome. Also called: Cutis laxa, autosomal recessive IIIA; DE BARSY SYNDROME A. Identifiers: Orphanet 2962, Orphanet 35664, MedGen C5234852, MONDO:0009053, OMIM 219150.

Allele frequency attached by ClinVar (database versions not stated): gnomAD exomes 0.00032; gnomAD 0.00311 and 0.00329; TOPMed 0.00345; 1000 Genomes Project 30x 0.00375; 1000 Genomes Project 0.00379.
gnomAD v4.1: 840 of 1,251,208 alleles (0.067%); highest among the groups gnomAD compares: African/African-American, 1.1%; 4 homozygotes.

Submissions (3):

CeGaT Center for Human Genetics Tuebingen
Classification: Likely benign. Last evaluated: 2023-01-01. Review status: criteria provided, single submitter. Criteria: CeGaT Center For Human Genetics Tuebingen Variant Classification Criteria Version 2. Collection method: clinical testing. Allele origin: germline. Affected: yes. Observed: 1 variant allele.
Comment: ALDH18A1: BS1

GeneDx
Classification: Likely benign. Last evaluated: 2019-02-18. Review status: criteria provided, single submitter. Criteria: GeneDx Variant Classification Process June 2021. Collection method: clinical testing. Allele origin: germline. Affected: yes.

Illumina Laboratory Services, Illumina
Classification: Likely benign for ALDH18A1-related de Barsy syndrome. Last evaluated: 2018-01-12. Review status: criteria provided, single submitter. Criteria: ICSL Variant Classification Criteria 13 December 2019. Collection method: clinical testing. Allele origin: germline.
Comment: This variant was observed in the ICSL laboratory as part of a predisposition screen in an ostensibly healthy population. It had not been previously curated by ICSL or reported in the Human Gene Mutation Database (HGMD: prior to June 1st, 2018), and was therefore a candidate for classification through an automated scoring system. Utilizing variant allele frequency, disease prevalence and penetrance estimates, and inheritance mode, an automated score was calculated to assess if this variant is too frequent to cause the disease. Based on the score and internal cut-off values, a variant classified as likely benign is not then subjected to further curation. The score for this variant resulted in a classification of likely benign for this disease.